The following is an entry in ClinVar:

NM_001384900.1(SEMA3D):c.1769-3C>G

Gene: SEMA3D (semaphorin 3D; minus strand). Cytogenetic location: 7q21.11.
Variant type: single nucleotide variant.
Coding change: c.1769-3C>G on transcript NM_001384900.1 (MANE Select); 3 bases into the intron before coding-DNA position 1769, C replaced by G.
Molecular consequence: intron variant.
Genome position (GRCh38, 1-based): chr7:85,006,944, G>C on the plus strand (C>G on the coding strand, the complement: SEMA3D is on the minus strand). VCF-style: chr7-85006944-G-C. GRCh37 (hg19) VCF-style: chr7-84636260-G-C.
Other names: c.1769-3C>G (NM_001384901.1, NM_001384903.1, NM_001384902.1 and 1 more transcripts).
Identifiers: ClinVar variation 3351565 (VCV003351565.1).
Genomic context (GRCh38, chr7:85,006,944, plus strand): 5'-GTTGAGTTAAATTCAATGCCAAAAATCACCTTTTCATCAGCAGTTTCATGACTAATGCCT[G>C]GAAAGCAAACATGGAATAAGAGATTAACCTTGACCTGATTTTAAAAGCAATGGGAAAACA-3'

ClinVar aggregate classification (germline): Uncertain significance (0 of 4 stars; one submission).

Conditions:
SEMA3D-related disorder. Also called: SEMA3D-related condition.

gnomAD v4.1: 10 of 1,606,702 alleles (0.00062%); highest among the groups gnomAD compares: Non-Finnish European, 0.00085%; no homozygotes.

Submission:

PreventionGenetics, part of Exact Sciences
Classification: Uncertain significance for SEMA3D-related condition. Last evaluated: 2024-08-05. Review status: no assertion criteria provided. Collection method: clinical testing. Allele origin: germline.
Comment: The SEMA3D c.1769-3C>G variant is predicted to interfere with splicing. To our knowledge, this variant has not been reported in the literature. This variant is reported in 0.0018% of alleles in individuals of European (Non-Finnish) descent in gnomAD. At this time, the clinical significance of this variant is uncertain due to the absence of conclusive functional and genetic evidence.